The following is an entry in ClinVar:

ClinVar aggregate classification (germline): Uncertain significance. Review status: criteria provided, single submitter (1 of 4 stars). 2 submissions from 2 submitters: Uncertain significance (1). 1 of the submissions does not count toward it. Last evaluated 2025-06-23.

Conditions:
Wilson disease (WND). Also called: Wilson's disease. Identifiers: Orphanet 905, MedGen C0019202, MONDO:0010200, OMIM 277900. Disease mechanism: loss of function.

Submissions (2):

Color Diagnostics, LLC DBA Color Health
Classification: Uncertain significance for Wilson disease. Last evaluated: 2025-06-23. Review status: criteria provided, single submitter. Criteria: ACMG Guidelines, 2015. Collection method: clinical testing. Allele origin: germline.
Comment: This missense variant replaces proline with alanine at codon 349 of the ATP7B protein. Computational prediction suggests that this variant may not impact protein structure and function. To our knowledge, functional studies have not been reported for this variant. This variant has not been reported in individuals affected with ATP7B-related disorders in the literature. This variant has not been identified in the general population by the Genome Aggregation Database (gnomAD). The available evidence is insufficient to determine the role of this variant in disease conclusively. Therefore, this variant is classified as a Variant of Uncertain Significance.

Natera, Inc.
Classification: Uncertain significance for Wilson disease. Last evaluated: 2025-02-18. Review status: no assertion criteria provided. Collection method: clinical testing. Allele origin: germline. Not counted in ClinVar's aggregate classification.

NM_000053.4(ATP7B):c.1045C>G (p.Pro349Ala)

Gene: ATP7B (ATPase copper transporting beta; minus strand). Cytogenetic location: 13q14.3.
Variant type: single nucleotide variant.
Coding change: c.1045C>G on transcript NM_000053.4 (MANE Select); coding-DNA position 1045, C replaced by G.
Protein change: p.Pro349Ala; replaces proline 349 with alanine.
Molecular consequence: missense variant. On other transcripts: intron variant (2).
Genome position (GRCh38, 1-based): chr13:51,974,175, G>C on the plus strand (C>G on the coding strand, the complement: ATP7B is on the minus strand). VCF-style: chr13-51974175-G-C. GRCh37 (hg19) VCF-style: chr13-52548311-G-C.
Other names: c.949C>G, p.Pro317Ala (NM_001406536.1, NM_001406543.1, NM_001406544.1 and 3 more transcripts); c.1045C>G, p.Pro349Ala (NM_001406537.1, NM_001406538.1, NM_001406540.1 and 29 more transcripts); c.803-91C>G (NM_001243182.2); c.707-91C>G (NM_001406539.1); short protein forms P317A, P349A.
Identifiers: ClinVar variation 4063569 (VCV004063569.2).